The following is an entry in ClinVar:

ClinVar aggregate classification (germline): Uncertain significance (1 of 4 stars; one submission).

Conditions:
Evans syndrome, immunodeficiency, and premature immunosenescence associated with tripeptidyl-peptidase II deficiency. Identifiers: MedGen CN231723. Disease mechanism: loss of function.

Allele frequency attached by ClinVar (database versions not stated): ExAC 0.00001; gnomAD 0.00001; 1000 Genomes Project 30x 0.00016; 1000 Genomes Project 0.00020.
gnomAD v4.1: 1 of 1,613,734 alleles (0.000062%); highest among the groups gnomAD compares: Admixed American, 0.0017%; no homozygotes.

Submission:

Labcorp Genetics (formerly Invitae), Labcorp
Classification: Uncertain significance for Evans syndrome, immunodeficiency, and premature immunosenescence associated with tripeptidyl-peptidase II deficiency. Last evaluated: 2022-06-22. Review status: criteria provided, single submitter. Criteria: Invitae Variant Classification Sherloc (09022015). Collection method: clinical testing. Allele origin: germline.
Comment: In summary, the available evidence is currently insufficient to determine the role of this variant in disease. Therefore, it has been classified as a Variant of Uncertain Significance. This variant is present in population databases (rs563552441, gnomAD 0.003%). This variant has not been reported in the literature in individuals affected with TPP2-related conditions. ClinVar contains an entry for this variant (Variation ID: 1059621). This sequence change replaces aspartic acid, which is acidic and polar, with glutamic acid, which is acidic and polar, at codon 546 of the TPP2 protein (p.Asp546Glu). Algorithms developed to predict the effect of missense changes on protein structure and function (SIFT, PolyPhen-2, Align-GVGD) all suggest that this variant is likely to be tolerated.

NM_001330588.2(TPP2):c.1638T>A (p.Asp546Glu)

Gene: TPP2 (tripeptidyl peptidase 2; plus strand). Cytogenetic location: 13q33.1.
Variant type: single nucleotide variant.
Coding change: c.1638T>A on transcript NM_001330588.2 (MANE Select); coding-DNA position 1638, T replaced by A.
Protein change: p.Asp546Glu; replaces aspartic acid 546 with glutamic acid.
Molecular consequence: missense variant. On other transcripts: non-coding transcript variant (1).
Genome position (GRCh38, 1-based): chr13:102,636,352, T>A. VCF-style: chr13-102636352-T-A. GRCh37 (hg19) VCF-style: chr13-103288702-T-A.
Other names: c.1638T>A, p.Asp546Glu (NM_001367947.1, NM_003291.4); short protein forms D546E.
Identifiers: ClinVar variation 1059621 (VCV001059621.9), dbSNP rs563552441, ClinGen allele CA7037780.